The following is an entry in ClinVar:

ClinVar aggregate classification (germline): Uncertain significance (1 of 4 stars; one submission).

Allele frequency attached by ClinVar (database versions not stated): gnomAD exomes below 0.00001; ExAC 0.00001; TOPMed 0.00001; gnomAD 0.00002; ESP Exome Variant Server 0.00015.
gnomAD v4.1: 11 of 1,613,984 alleles (0.00068%); highest among the groups gnomAD compares: African/African-American, 0.0013%; no homozygotes.

Submission:

Labcorp Genetics (formerly Invitae), Labcorp
Classification: Uncertain significance. Last evaluated: 2024-10-15. Review status: criteria provided, single submitter. Criteria: Invitae Variant Classification Sherloc (09022015). Collection method: clinical testing. Allele origin: germline.
Comment: This sequence change replaces serine, which is neutral and polar, with arginine, which is basic and polar, at codon 594 of the MTHFD1 protein (p.Ser594Arg). This variant is present in population databases (rs138548015, gnomAD 0.002%). This variant has not been reported in the literature in individuals affected with MTHFD1-related conditions. ClinVar contains an entry for this variant (Variation ID: 1405816). Invitae Evidence Modeling of protein sequence and biophysical properties (such as structural, functional, and spatial information, amino acid conservation, physicochemical variation, residue mobility, and thermodynamic stability) indicates that this missense variant is expected to disrupt MTHFD1 protein function with a positive predictive value of 80%. In summary, the available evidence is currently insufficient to determine the role of this variant in disease. Therefore, it has been classified as a Variant of Uncertain Significance.

NM_005956.4(MTHFD1):c.1782T>A (p.Ser594Arg)

Gene: MTHFD1 (methylenetetrahydrofolate dehydrogenase, cyclohydrolase and formyltetrahydrofolate synthetase 1; plus strand). Cytogenetic location: 14q23.3.
Variant type: single nucleotide variant.
Coding change: c.1782T>A on transcript NM_005956.4 (MANE Select); coding-DNA position 1782, T replaced by A.
Protein change: p.Ser594Arg; replaces serine 594 with arginine.
Molecular consequence: missense variant.
Genome position (GRCh38, 1-based): chr14:64,440,233, T>A. VCF-style: chr14-64440233-T-A. GRCh37 (hg19) VCF-style: chr14-64906951-T-A.
Other names: c.1782T>A, p.Ser594Arg (NM_001364837.1); short protein forms S594R.
Identifiers: ClinVar variation 1405816 (VCV001405816.7), dbSNP rs138548015, ClinGen allele CA7226348.
Genomic context (GRCh38, chr14:64,440,233, plus strand): 5'-TCTCACCACTTCTCTAGAAGACATGAGAGAGAGACTGGGCAAAATGGTGGTGGCATCCAG[T>A]AAGAAAGGAGAGCCCGTCAGTGCCGAAGATCTGGTGGGTACCCAGACACGCCAGGCTTGG-3'
Protein context (NP_005947.3, residues 584-604): ERLGKMVVAS[Ser594Arg]KKGEPVSAED